The following is an entry in ClinVar:

NM_182931.3(KMT2E):c.5470G>A (p.Val1824Ile)

Gene: KMT2E (lysine methyltransferase 2E (inactive); plus strand). Cytogenetic location: 7q22.3.
Variant type: single nucleotide variant.
Coding change: c.5470G>A on transcript NM_182931.3 (MANE Select); coding-DNA position 5470, G replaced by A.
Protein change: p.Val1824Ile; replaces valine 1824 with isoleucine.
Molecular consequence: missense variant.
Genome position (GRCh38, 1-based): chr7:105,113,226, G>A. VCF-style: chr7-105113226-G-A. GRCh37 (hg19) VCF-style: chr7-104753673-G-A.
Other names: c.5344G>A, p.Val1782Ile (NM_001410908.1); c.5470G>A, p.Val1824Ile (NM_018682.4); short protein forms V1782I, V1824I.
Identifiers: ClinVar variation 4807956 (VCV004807956.1).

ClinVar aggregate classification (germline): Uncertain significance (1 of 4 stars; one submission).

gnomAD v4.1: 1 of 1,614,200 alleles (0.000062%); highest among the groups gnomAD compares: Non-Finnish European, 0.000085%; no homozygotes.

Submission:

Labcorp Genetics (formerly Invitae), Labcorp
Classification: Uncertain significance. Last evaluated: 2025-11-03. Review status: criteria provided, single submitter. Criteria: Invitae Variant Classification Sherloc (09022015). Collection method: clinical testing. Allele origin: germline.
Comment: This sequence change replaces valine, which is neutral and non-polar, with isoleucine, which is neutral and non-polar, at codon 1824 of the KMT2E protein (p.Val1824Ile). This variant is not present in population databases (gnomAD no frequency). This variant has not been reported in the literature in individuals affected with KMT2E-related conditions. An algorithm developed to predict the effect of missense changes on protein structure and function (PolyPhen-2) suggests that this variant is likely to be tolerated. In summary, the available evidence is currently insufficient to determine the role of this variant in disease. Therefore, it has been classified as a Variant of Uncertain Significance.